The following is an entry in ClinVar:

NM_000038.6(APC):c.1743+2157A>T

Gene: APC (APC regulator of WNT signaling pathway; plus strand). Cytogenetic location: 5q22.2.
Variant type: single nucleotide variant.
Coding change: c.1743+2157A>T on transcript NM_000038.6 (MANE Select); 2157 bases into the intron after coding-DNA position 1743, A replaced by T.
Molecular consequence: intron variant.
Genome position (GRCh38, 1-based): chr5:112,831,129, A>T. VCF-style: chr5-112831129-A-T. GRCh37 (hg19) VCF-style: chr5-112166826-A-T.
Other names: c.1743+2157A>T (NM_001354895.2, NM_001127510.3); c.1773+2157A>T (NM_001354897.2); c.1470+2157A>T (NM_001354902.2); c.1689+2157A>T (NM_001127511.3); c.1668+2157A>T (NM_001354898.2); c.1365+2157A>T (NM_001354904.2); c.894+2157A>T (NM_001354906.2); c.1797+2157A>T (NM_001354896.2); and 5 more.
Identifiers: ClinVar variation 82598 (VCV000082598.2), dbSNP rs79631901, ClinGen allele CA005595.

ClinVar aggregate classification (germline): other (0 of 4 stars; one submission).

Conditions:
Familial colorectal cancer. Identifiers: MedGen CN280943, MONDO:0023113. Disease mechanism: loss of function.

Submission:

Systems Biology Platform Zhejiang California International NanoSystems Institute
Classification: other for Familial colorectal cancer. Review status: no assertion criteria provided. Collection method: not provided. Allele origin: unknown.
ClinVar note: Converted during submission from cancer to other.